The following is an entry in ClinVar:

ClinVar aggregate classification (germline): Uncertain significance. Review status: criteria provided, multiple submitters, no conflicts (2 of 4 stars). 2 submissions from 2 submitters: Uncertain significance (2). Last evaluated 2026-03-01.

Allele frequency attached by ClinVar (database versions not stated): ExAC 0.00002; gnomAD 0.00002; TOPMed 0.00003.
gnomAD v4.1: 21 of 1,613,956 alleles (0.0013%); highest among the groups gnomAD compares: African/African-American, 0.012%; no homozygotes.

Submissions (2):

CeGaT Center for Human Genetics Tuebingen
Classification: Uncertain significance. Last evaluated: 2026-03-01. Review status: criteria provided, single submitter. Criteria: CeGaT Center For Human Genetics Tuebingen Variant Classification Criteria Version 2. Collection method: clinical testing. Allele origin: germline. Affected: yes. Observed: 1 variant allele.
Comment: NRXN2: PM2:Supporting

Ambry Genetics
Classification: Uncertain significance. Last evaluated: 2023-07-19. Review status: criteria provided, single submitter. Criteria: Ambry Variant Classification Scheme 2023. Collection method: clinical testing. Allele origin: germline.

NM_015080.4(NRXN2):c.1327G>A (p.Val443Ile)

Gene: NRXN2 (neurexin 2; minus strand). Cytogenetic location: 11q13.1.
Variant type: single nucleotide variant.
Coding change: c.1327G>A on transcript NM_015080.4 (MANE Select); coding-DNA position 1327, G replaced by A.
Protein change: p.Val443Ile; replaces valine 443 with isoleucine.
Molecular consequence: missense variant.
Genome position (GRCh38, 1-based): chr11:64,668,475, C>T on the plus strand (G>A on the coding strand, the complement: NRXN2 is on the minus strand). VCF-style: chr11-64668475-C-T. GRCh37 (hg19) VCF-style: chr11-64435947-C-T.
Other names: c.1327G>A, p.Val443Ile (NM_001376262.1); c.1306G>A, p.Val436Ile (NM_001376263.1, NM_001376267.1); c.1282G>A, p.Val428Ile (NM_001376265.1); c.1303G>A, p.Val435Ile (NM_001376266.1); c.1234G>A, p.Val412Ile (NM_138732.3); short protein forms V436I, V443I, V412I, V428I, V435I.
Identifiers: ClinVar variation 2590904 (VCV002590904.6), dbSNP rs557104010, ClinGen allele CA6078474.